The following is an entry in ClinVar:

NM_000475.5(NR0B1):c.1234A>G (p.Ser412Gly)

Gene: NR0B1 (nuclear receptor subfamily 0 group B member 1; minus strand). Cytogenetic location: Xp21.2.
Variant type: single nucleotide variant.
Coding change: c.1234A>G on transcript NM_000475.5 (MANE Select); coding-DNA position 1234, A replaced by G.
Protein change: p.Ser412Gly; replaces serine 412 with glycine.
Molecular consequence: missense variant.
Genome position (GRCh38, 1-based): chrX:30,304,758, T>C on the plus strand (A>G on the coding strand, the complement: NR0B1 is on the minus strand). VCF-style: chrX-30304758-T-C. GRCh37 (hg19) VCF-style: chrX-30322875-T-C.
Other names: short protein forms S412G.
Identifiers: ClinVar variation 3598254 (VCV003598254.2).

ClinVar aggregate classification (germline): Uncertain significance. Review status: criteria provided, multiple submitters, no conflicts (2 of 4 stars). 2 submissions from 2 submitters: Uncertain significance (2). Last evaluated 2024-09-12.

Conditions:
Congenital adrenal hypoplasia, X-linked (AHC). Also called: Isolated X-Linked Adrenal Hypoplasia Congenita; ADRENAL HYPOPLASIA, CONGENITAL, WITH HYPOGONADOTROPIC HYPOGONADISM; X-linked AHC; X-Linked Adrenal Hypoplasia Congenita. Identifiers: Orphanet 95702, MedGen C0342482, MONDO:0010264, OMIM 300200. Disease mechanism: loss of function.
46,XY sex reversal 2. Also called: NR0B1-Related 46,XY CGD; NR0B1-related 46,XY complete gonadal dysgenesis; 46,XY SEX REVERSAL, DAX1-RELATED; 46XY sex reversal 2, dosage-sensitive; Dosage-sensitive sex reversal. Identifiers: MedGen C1848296, MONDO:0010226, OMIM 300018.

Submissions (2):

Labcorp Genetics (formerly Invitae), Labcorp
Classification: Uncertain significance for Congenital adrenal hypoplasia, X-linked; 46,XY sex reversal 2. Last evaluated: 2024-09-12. Review status: criteria provided, single submitter. Criteria: Invitae Variant Classification Sherloc (09022015). Collection method: clinical testing. Allele origin: germline.
Comment: This sequence change replaces serine, which is neutral and polar, with glycine, which is neutral and non-polar, at codon 412 of the NR0B1 protein (p.Ser412Gly). This variant is present in population databases (rs146662539, gnomAD 0.005%). This missense change has been observed in individual(s) with hypothalamic amenorrhea (PMID: 32870266). An algorithm developed to predict the effect of missense changes on protein structure and function outputs the following: PolyPhen-2: "Benign". The glycine amino acid residue is found in multiple mammalian species, which suggests that this missense change does not adversely affect protein function. In summary, the available evidence is currently insufficient to determine the role of this variant in disease. Therefore, it has been classified as a Variant of Uncertain Significance.

Fulgent Genetics
Classification: Uncertain significance for 46,XY sex reversal 2; Congenital adrenal hypoplasia, X-linked. Last evaluated: 2024-03-04. Review status: criteria provided, single submitter. Criteria: ACMG Guidelines, 2015. Collection method: clinical testing. Allele origin: germline.

Literature cited by the submitters: PubMed 32870266 (cited by Labcorp Genetics (formerly Invitae), Labcorp).